The following is an entry in ClinVar:

ClinVar aggregate classification (germline): Likely benign. Review status: criteria provided, single submitter (1 of 4 stars). 2 submissions from 2 submitters: Likely benign (1). 1 of the submissions does not count toward it. Last evaluated 2025-11-10.

Conditions:
KIDINS220-related disorder. Also called: KIDINS220-related condition.

Allele frequency attached by ClinVar (database versions not stated): gnomAD 0.00001; ExAC 0.00002; gnomAD exomes 0.00002; TOPMed 0.00002.
gnomAD v4.1: 27 of 1,614,032 alleles (0.0017%); highest among the groups gnomAD compares: Admixed American, 0.0067%; no homozygotes.

Submissions (2):

Labcorp Genetics (formerly Invitae), Labcorp
Classification: Likely benign. Last evaluated: 2025-11-10. Review status: criteria provided, single submitter. Criteria: Invitae Variant Classification Sherloc (09022015). Collection method: clinical testing. Allele origin: germline.

PreventionGenetics, part of Exact Sciences
Classification: Likely benign for KIDINS220-related condition. Last evaluated: 2024-02-21. Review status: no assertion criteria provided. Collection method: clinical testing. Allele origin: germline. Not counted in ClinVar's aggregate classification.
Comment: This variant is classified as likely benign based on ACMG/AMP sequence variant interpretation guidelines (Richards et al. 2015 PMID: 25741868, with internal and published modifications).

NM_020738.4(KIDINS220):c.4869C>T (p.Ser1623=)

Gene: KIDINS220 (kinase D interacting substrate 220; minus strand). Cytogenetic location: 2p25.1.
Variant type: single nucleotide variant.
Coding change: c.4869C>T on transcript NM_020738.4 (MANE Select); coding-DNA position 4869, C replaced by T.
Protein change: p.Ser1623=; no amino-acid change (serine 1623 retained).
Molecular consequence: synonymous variant. On other transcripts: intron variant (6).
Genome position (GRCh38, 1-based): chr2:8,731,167, G>A on the plus strand (C>T on the coding strand, the complement: KIDINS220 is on the minus strand). VCF-style: chr2-8731167-G-A. GRCh37 (hg19) VCF-style: chr2-8871297-G-A.
Other names: c.4872C>T, p.Ser1624= (NM_001348729.2); c.4815C>T, p.Ser1605= (NM_001348731.2); c.4812C>T, p.Ser1604= (NM_001348732.2); c.4701C>T, p.Ser1567= (NM_001348734.2); c.4698C>T, p.Ser1566= (NM_001348735.2); c.4572C>T, p.Ser1524= (NM_001348736.2); c.3882+2277C>T (NM_001348741.2, NM_001348742.2, NM_001348743.2); c.3996+2277C>T (NM_001348738.2); and 2 more.
Identifiers: ClinVar variation 1909209 (VCV001909209.7), dbSNP rs758452117, ClinGen allele CA1519296.